The following is an entry in ClinVar:

ClinVar aggregate classification (germline): Uncertain significance (1 of 4 stars; one submission).

Submission:

GeneDx
Classification: Uncertain significance. Last evaluated: 2024-11-12. Review status: criteria provided, single submitter. Criteria: GeneDx Variant Classification Process June 2021. Collection method: clinical testing. Allele origin: germline. Affected: yes.
Comment: Not observed at significant frequency in large population cohorts (gnomAD); In silico analysis indicates that this missense variant does not alter protein structure/function; In silico analysis suggests this variant may impact gene splicing. In the absence of RNA/functional studies, the actual effect of this sequence change is unknown.; Has not been previously published as pathogenic or benign to our knowledge

NM_031407.7(HUWE1):c.8267C>G (p.Ser2756Cys)

Gene: HUWE1 (HECT, UBA and WWE domain containing E3 ubiquitin protein ligase 1; minus strand). Cytogenetic location: Xp11.22.
Variant type: single nucleotide variant.
Coding change: c.8267C>G on transcript NM_031407.7 (MANE Select); coding-DNA position 8267, C replaced by G.
Protein change: p.Ser2756Cys; replaces serine 2756 with cysteine.
Molecular consequence: missense variant.
Genome position (GRCh38, 1-based): chrX:53,554,860, G>C on the plus strand (C>G on the coding strand, the complement: HUWE1 is on the minus strand). VCF-style: chrX-53554860-G-C. GRCh37 (hg19) VCF-style: chrX-53581821-G-C.
Other names: short protein forms S2756C.
Identifiers: ClinVar variation 3899606 (VCV003899606.1).